The following is an entry in ClinVar:

ClinVar aggregate classification (germline): Uncertain significance (1 of 4 stars; one submission).

Conditions:
Inborn genetic diseases. Identifiers: MedGen C0950123, MeSH D030342.

gnomAD v4.1: 1 of 1,614,082 alleles (0.000062%); highest among the groups gnomAD compares: East Asian, 0.0022%; no homozygotes.

Submission:

Ambry Genetics
Classification: Uncertain significance for Inborn genetic diseases. Last evaluated: 2026-07-25. Review status: criteria provided, single submitter. Criteria: Ambry Variant Classification Scheme 2023. Collection method: clinical testing. Allele origin: germline.
Comment: The p.Q247K variant (also known as c.739C>A), located in coding exon 5 of the MECOM gene, results from a C to A substitution at nucleotide position 739. The glutamine at codon 247 is replaced by lysine, an amino acid with similar properties. This amino acid position is conserved. In addition, this alteration is predicted to be tolerated by in silico analysis. Based on the available evidence, the clinical significance of this variant remains unclear.

NM_004991.4(MECOM):c.739C>A (p.Gln247Lys)

Gene: MECOM (MDS1 and EVI1 complex locus; minus strand). Cytogenetic location: 3q26.2.
Variant type: single nucleotide variant.
Coding change: c.739C>A on transcript NM_004991.4 (MANE Select); coding-DNA position 739, C replaced by A.
Protein change: p.Gln247Lys; replaces glutamine 247 with lysine.
Molecular consequence: missense variant.
Genome position (GRCh38, 1-based): chr3:169,127,935, G>T on the plus strand (C>A on the coding strand, the complement: MECOM is on the minus strand). VCF-style: chr3-169127935-G-T. GRCh37 (hg19) VCF-style: chr3-168845723-G-T.
Other names: c.175C>A, p.Gln59Lys (NM_001205194.2, NM_001366467.2, NM_001366468.2 and 9 more transcripts); c.739C>A, p.Gln247Lys (NM_001366466.2, NM_001366473.2); c.367C>A, p.Gln123Lys (NM_001105077.4); short protein forms Q59K, Q247K, Q123K.
Identifiers: ClinVar variation 5024153 (VCV005024153.1).